The following is an entry in ClinVar:

NM_201525.4(ADGRG1):c.1857G>T (p.Leu619Phe)

Gene: ADGRG1 (adhesion G protein-coupled receptor G1; plus strand). Cytogenetic location: 16q21.
Variant type: single nucleotide variant.
Coding change: c.1857G>T on transcript NM_201525.4 (MANE Select); coding-DNA position 1857, G replaced by T.
Protein change: p.Leu619Phe; replaces leucine 619 with phenylalanine.
Molecular consequence: missense variant.
Genome position (GRCh38, 1-based): chr16:57,661,889, G>T. VCF-style: chr16-57661889-G-T. GRCh37 (hg19) VCF-style: chr16-57695801-G-T.
Other names: c.1857G>T, p.Leu619Phe (NM_001145770.3, NM_001145772.3, NM_001145774.3 and 7 more transcripts); c.1875G>T, p.Leu625Phe (NM_001145771.3, NM_001370428.1, NM_001370429.1 and 4 more transcripts); c.1872G>T, p.Leu624Phe (NM_001145773.3, NM_001370433.1, NM_001370434.1); c.1365G>T, p.Leu455Phe (NM_001290142.2); c.1350G>T, p.Leu450Phe (NM_001290143.2); c.1332G>T, p.Leu444Phe (NM_001290144.2, NM_001370451.1, NM_001370453.1 and 1 more transcripts); c.1854G>T, p.Leu618Phe (NM_001370441.1); c.1701G>T, p.Leu567Phe (NM_001370442.1); short protein forms L625F, L450F, L455F, L567F, L618F, L619F, L444F, L624F.
Identifiers: ClinVar variation 498486 (VCV000498486.7), dbSNP rs1053907326, ClinGen allele CA281582131.

ClinVar aggregate classification (germline): Uncertain significance. Review status: criteria provided, multiple submitters, no conflicts (2 of 4 stars). 2 submissions from 2 submitters: Uncertain significance (2). Last evaluated 2021-11-09.

Allele frequency attached by ClinVar (database versions not stated): gnomAD exomes below 0.00001; gnomAD 0.00001; TOPMed 0.00001.
gnomAD v4.1: 6 of 1,614,144 alleles (0.00037%); highest among the groups gnomAD compares: African/African-American, 0.0013%; no homozygotes.

Submissions (2):

Labcorp Genetics (formerly Invitae), Labcorp
Classification: Uncertain significance. Last evaluated: 2021-11-09. Review status: criteria provided, single submitter. Criteria: Invitae Variant Classification Sherloc (09022015). Collection method: clinical testing. Allele origin: germline.
Comment: This sequence change replaces leucine, which is neutral and non-polar, with phenylalanine, which is neutral and non-polar, at codon 625 of the ADGRG1 protein (p.Leu625Phe). This variant is present in population databases (no rsID available, gnomAD 0.01%). This variant has not been reported in the literature in individuals affected with ADGRG1-related conditions. ClinVar contains an entry for this variant (Variation ID: 498486). Advanced modeling of protein sequence and biophysical properties (such as structural, functional, and spatial information, amino acid conservation, physicochemical variation, residue mobility, and thermodynamic stability) performed at Invitae indicates that this missense variant is not expected to disrupt ADGRG1 protein function. In summary, the available evidence is currently insufficient to determine the role of this variant in disease. Therefore, it has been classified as a Variant of Uncertain Significance.

Eurofins Ntd Llc (ga)
Classification: Uncertain significance. Last evaluated: 2016-12-15. Review status: criteria provided, single submitter. Criteria: EGL Classification Definitions 2015. Collection method: clinical testing. Allele origin: germline. Observed: 1 variant allele, 1 heterozygote.